The following is an entry in ClinVar:

ClinVar aggregate classification (germline): Uncertain significance. Review status: criteria provided, multiple submitters, no conflicts (2 of 4 stars). 2 submissions from 2 submitters: Uncertain significance (2). Last evaluated 2023-06-17.

Conditions:
Hypertrophic cardiomyopathy 25 (CMH25). Also called: CARDIOMYOPATHY, FAMILIAL HYPERTROPHIC, 25. Identifiers: MedGen C4225408, MONDO:0011843, OMIM 607487.
Primary familial hypertrophic cardiomyopathy (HCM). Identifiers: Orphanet 99739, MedGen C0949658, MeSH D024741, MONDO:0024573. Inheritance: Various modes of inheritance.

Allele frequency attached by ClinVar (database versions not stated): gnomAD exomes 0.00001.

Submissions (2):

Labcorp Genetics (formerly Invitae), Labcorp
Classification: Uncertain significance for Hypertrophic cardiomyopathy 25; Primary familial hypertrophic cardiomyopathy. Last evaluated: 2023-06-17. Review status: criteria provided, single submitter. Criteria: Invitae Variant Classification Sherloc (09022015). Collection method: clinical testing. Allele origin: germline.
Comment: In summary, the available evidence is currently insufficient to determine the role of this variant in disease. Therefore, it has been classified as a Variant of Uncertain Significance. Experimental studies have shown that this missense change affects TCAP function (PMID: 15582318). An algorithm developed to predict the effect of missense changes on protein structure and function (PolyPhen-2) suggests that this variant¬¨‚Ä†is likely to be tolerated. This missense change has been observed in individual(s) with dilated cardiomyopathy (PMID: 15582318). This variant is present in population databases (no rsID available, gnomAD 0.006%). This sequence change replaces glutamic acid, which is acidic and polar, with glutamine, which is neutral and polar, at codon 132 of the TCAP protein (p.Glu132Gln).

New York Genome Center
Classification: Uncertain significance for Hypertrophic cardiomyopathy 25. Last evaluated: 2023-02-24. Review status: criteria provided, single submitter. Criteria: NYGC Assertion Criteria 2020. Collection method: clinical testing. Allele origin: germline. Observed: 1 heterozygote.
Comment: The c.394G>C variant in TCAP has previously been reported in one individual with dilated cardiomyopathy along with two unaffected family members [PMID:15582318]. The c.394G>C variant is observed in 1 allele with 0 homozygotes in population databases (gnomAD v2.1.1 and v3.1.2, TOPMed Freeze 8), suggesting it is not a common benign variant in the populations represented in those databases. The c.394G>C variant is located in exon 2 of this 2-exon gene, and is predicted to replace an evolutionarily semi-conserved glutamate amino acid with glutamine at position 132 (p.(Glu132Gln)) in the encoded protein. In silico predictions are inconclusive of damaging effect for the p.(Glu132Gln) variant [CADD v1.6 = 22.7, REVEL = 0.474]; however, there are no functional studies to support or refute these predictions. Based on available evidence this c.394G>C p.(Glu132Gln) variant identified in TCAP is classified as a Variant of Uncertain Significance.

Literature cited by the submitters: PubMed 15582318 (cited by Labcorp Genetics (formerly Invitae), Labcorp and New York Genome Center).

NM_003673.4(TCAP):c.394G>C (p.Glu132Gln)

Gene: TCAP (titin-cap; plus strand). Cytogenetic location: 17q12.
Variant type: single nucleotide variant.
Coding change: c.394G>C on transcript NM_003673.4 (MANE Select); coding-DNA position 394, G replaced by C.
Protein change: p.Glu132Gln; replaces glutamic acid 132 with glutamine.
Molecular consequence: missense variant.
Genome position (GRCh38, 1-based): chr17:39,665,999, G>C. VCF-style: chr17-39665999-G-C. GRCh37 (hg19) VCF-style: chr17-37822252-G-C.
Other names: short protein forms E132Q.
Identifiers: ClinVar variation 2584601 (VCV002584601.3), dbSNP rs748358368, ClinGen allele CA399305521.